The following is an entry in ClinVar:

ClinVar aggregate classification (germline): Uncertain significance. Review status: criteria provided, multiple submitters, no conflicts (2 of 4 stars). 2 submissions from 2 submitters: Uncertain significance (2). Last evaluated 2025-10-22.

Conditions:
Hereditary cancer-predisposing syndrome. Also called: Tumor predisposition; Hereditary neoplastic syndrome; Neoplastic Syndromes, Hereditary; Hereditary Cancer Syndrome. Identifiers: Orphanet 140162, MedGen C0027672, MeSH D009386, MONDO:0015356.
Familial meningioma. Also called: Meningioma, familial, susceptibility to. Identifiers: Orphanet 263662, MedGen C3551915, MONDO:0011789, OMIM 607174.

Submissions (2):

Ambry Genetics
Classification: Uncertain significance for Hereditary cancer-predisposing syndrome. Last evaluated: 2025-10-22. Review status: criteria provided, single submitter. Criteria: Ambry Variant Classification Scheme 2023. Collection method: clinical testing. Allele origin: germline.
Comment: The p.S376G variant (also known as c.1126A>G), located in coding exon 10 of the SMARCE1 gene, results from an A to G substitution at nucleotide position 1126. The serine at codon 376 is replaced by glycine, an amino acid with similar properties. This amino acid position is conserved. In addition, this alteration is predicted to be tolerated by in silico analysis. Based on the available evidence, the clinical significance of this variant remains unclear.

Labcorp Genetics (formerly Invitae), Labcorp
Classification: Uncertain significance for Familial meningioma. Last evaluated: 2020-02-24. Review status: criteria provided, single submitter. Criteria: Invitae Variant Classification Sherloc (09022015). Collection method: clinical testing. Allele origin: germline.
Comment: Algorithms developed to predict the effect of missense changes on protein structure and function (SIFT, PolyPhen-2, Align-GVGD) all suggest that this variant is likely to be tolerated, but these predictions have not been confirmed by published functional studies and their clinical significance is uncertain. This variant has not been reported in the literature in individuals with SMARCE1-related conditions. This variant is not present in population databases (ExAC no frequency). This sequence change replaces serine with glycine at codon 376 of the SMARCE1 protein (p.Ser376Gly). The serine residue is moderately conserved and there is a small physicochemical difference between serine and glycine. In summary, the available evidence is currently insufficient to determine the role of this variant in disease. Therefore, it has been classified as a Variant of Uncertain Significance. Algorithms developed to predict the effect of sequence changes on RNA splicing suggest that this variant may create or strengthen a splice site, but this prediction has not been confirmed by published transcriptional studies.

NM_003079.5(SMARCE1):c.1126A>G (p.Ser376Gly)

Gene: SMARCE1 (SWI/SNF related BAF chromatin remodeling complex subunit E1; minus strand). Cytogenetic location: 17q21.2.
Variant type: single nucleotide variant.
Coding change: c.1126A>G on transcript NM_003079.5 (MANE Select); coding-DNA position 1126, A replaced by G.
Protein change: p.Ser376Gly; replaces serine 376 with glycine.
Molecular consequence: missense variant.
Genome position (GRCh38, 1-based): chr17:40,628,895, T>C on the plus strand (A>G on the coding strand, the complement: SMARCE1 is on the minus strand). VCF-style: chr17-40628895-T-C. GRCh37 (hg19) VCF-style: chr17-38785147-T-C.
Other names: c.1126A>G (NM_003079.4); short protein forms S376G.
Identifiers: ClinVar variation 1008033 (VCV001008033.10), dbSNP rs2037061648, ClinGen allele CA399361263.